The following is an entry in ClinVar:

ClinVar aggregate classification (germline): Pathogenic. Review status: criteria provided, multiple submitters, no conflicts (2 of 4 stars). 2 submissions from 2 submitters: Pathogenic (2). Last evaluated 2024-03-11.

Conditions:
Autosomal recessive limb-girdle muscular dystrophy type 2A (LGMDR1). Also called: Limb-girdle muscular dystrophy, type 2A; Calpainopathy; MUSCULAR DYSTROPHY, PELVOFEMORAL; LEYDEN-MOEBIUS MUSCULAR DYSTROPHY; Muscular dystrophy, limb-girdle, type 2A, Amish. Identifiers: Orphanet 267, MedGen C1869123, MONDO:0009675, OMIM 253600. Disease mechanism: loss of function.

Submissions (2):

Natera, Inc.
Classification: Pathogenic for Limb-girdle muscular dystrophy type 2A. Last evaluated: 2024-03-11. Review status: criteria provided, single submitter. Criteria: Natera Variant Classification Schema (03/2026). Collection method: clinical testing. Allele origin: germline.
Comment: The c.1576delC variant in CAPN3 is a frameshift variant predicted to shift the reading frame beginning at codon 526 and leads to a stop codon 69 codons downstream. This variant is expected to result in nonsense mediated decay, truncation, or a dysfunctional protein product. This variant is rare in the general population with a frequency below the threshold expected for the associated phenotype(s). This variant has been observed in one or more individuals affected with the associated recessive disease, as either homozygous or compound heterozygous with a second variant (PMID: 21755510). Given the available evidence, this variant is classified as Pathogenic.

Labcorp Genetics (formerly Invitae), Labcorp
Classification: Pathogenic for Autosomal recessive limb-girdle muscular dystrophy type 2A. Last evaluated: 2023-04-12. Review status: criteria provided, single submitter. Criteria: Invitae Variant Classification Sherloc (09022015). Collection method: clinical testing. Allele origin: germline.
Comment: This sequence change creates a premature translational stop signal (p.Leu526Cysfs*69) in the CAPN3 gene. It is expected to result in an absent or disrupted protein product. Loss-of-function variants in CAPN3 are known to be pathogenic (PMID: 10330340, 15689361). This variant is not present in population databases (gnomAD no frequency). This variant has not been reported in the literature in individuals affected with CAPN3-related conditions. ClinVar contains an entry for this variant (Variation ID: 655955). For these reasons, this variant has been classified as Pathogenic.

Literature cited by the submitters: PubMed 21755510 (cited by Natera, Inc.); PubMed 10330340 (cited by Labcorp Genetics (formerly Invitae), Labcorp); PubMed 15689361 (cited by Labcorp Genetics (formerly Invitae), Labcorp).

NM_000070.3(CAPN3):c.1576del (p.Leu526fs)

Gene: CAPN3 (calpain 3; plus strand). Cytogenetic location: 15q15.1.
Variant type: Deletion.
Coding change: c.1576del on transcript NM_000070.3 (MANE Select); coding-DNA position 1576, one base deleted (C; older notation c.1576delC).
Protein change: p.Leu526fs; shifts the reading frame from leucine 526.
Molecular consequence: frameshift variant.
Genome position (GRCh38, 1-based): chr15:42,402,833, C deleted; the last of 2 consecutive C bases (chr15:42,402,832-42,402,833); deleting either gives the same sequence. VCF-style (leftmost placement, unchanged base first): chr15-42402831-TC-T. GRCh37 (hg19) VCF-style: chr15-42695029-TC-T.
Other names: c.1576delC (NM_000070.2); c.1576del, p.Leu526fs (NM_024344.2); c.1432del, p.Leu478fs (NM_173087.2); c.40del, p.Leu14fs (NM_173088.2); short protein forms L478fs, L526fs, L14fs.
Identifiers: ClinVar variation 655955 (VCV000655955.8), dbSNP rs1595838545, ClinGen allele CA915946551.